The following is an entry in ClinVar:

NM_014679.5(CEP57):c.1490G>A (p.Cys497Tyr)

Gene: CEP57 (centrosomal protein 57; plus strand). Cytogenetic location: 11q21.
Variant type: single nucleotide variant.
Coding change: c.1490G>A on transcript NM_014679.5 (MANE Select); coding-DNA position 1490, G replaced by A.
Protein change: p.Cys497Tyr; replaces cysteine 497 with tyrosine.
Molecular consequence: missense variant.
Genome position (GRCh38, 1-based): chr11:95,831,243, G>A. VCF-style: chr11-95831243-G-A. GRCh37 (hg19) VCF-style: chr11-95564407-G-A.
Other names: c.1463G>A, p.Cys488Tyr (NM_001243776.2); c.1412G>A, p.Cys471Tyr (NM_001243777.2); c.1409G>A, p.Cys470Tyr (NM_001363604.2); short protein forms C471Y, C497Y, C470Y, C488Y.
Identifiers: ClinVar variation 3266224 (VCV003266224.2).

ClinVar aggregate classification (germline): Uncertain significance (1 of 4 stars; one submission).

Conditions:
Inborn genetic diseases. Identifiers: MedGen C0950123, MeSH D030342.

gnomAD v4.1: 6 of 1,610,632 alleles (0.00037%); highest among the groups gnomAD compares: African/African-American, 0.004%; no homozygotes.

Submission:

Ambry Genetics
Classification: Uncertain significance for Inborn genetic diseases. Last evaluated: 2025-01-07. Review status: criteria provided, single submitter. Criteria: Ambry Variant Classification Scheme 2023. Collection method: clinical testing. Allele origin: germline.
Comment: The p.C497Y variant (also known as c.1490G>A), located in coding exon 11 of the CEP57 gene, results from a G to A substitution at nucleotide position 1490. The cysteine at codon 497 is replaced by tyrosine, an amino acid with highly dissimilar properties. This amino acid position is conserved. In addition, this alteration is predicted to be tolerated by in silico analysis. Based on the available evidence, the clinical significance of this variant remains unclear.